The following is an entry in ClinVar:

NM_000834.5(GRIN2B):c.4194C>T (p.Leu1398=)

Gene: GRIN2B (glutamate ionotropic receptor NMDA type subunit 2B; minus strand). Cytogenetic location: 12p13.1.
Variant type: single nucleotide variant.
Coding change: c.4194C>T on transcript NM_000834.5 (MANE Select); coding-DNA position 4194, C replaced by T.
Protein change: p.Leu1398=; no amino-acid change (leucine 1398 retained).
Molecular consequence: synonymous variant.
Genome position (GRCh38, 1-based): chr12:13,563,044, G>A on the plus strand (C>T on the coding strand, the complement: GRIN2B is on the minus strand). VCF-style: chr12-13563044-G-A. GRCh37 (hg19) VCF-style: chr12-13715978-G-A.
Identifiers: ClinVar variation 698618 (VCV000698618.42), dbSNP rs201247892, ClinGen allele CA6460771.

ClinVar aggregate classification (germline): Likely benign. Review status: criteria provided, multiple submitters, no conflicts (2 of 4 stars). 4 submissions from 4 submitters: Likely benign (4). Last evaluated 2026-01-28.

Conditions:
Intellectual developmental disorder, autosomal dominant 6, with or without seizures. Also called: Intellectual disability, autosomal dominant 6; GRIN2B-related developmental delay, intellectual disability and autism spectrum disorder. Identifiers: Orphanet 589547, MedGen C3151411, MONDO:0013509, OMIM 613970.
Developmental and epileptic encephalopathy, 27 (DEE27). Also called: GRIN2B-Related Neurodevelopmental Disorder; Epileptic encephalopathy, early infantile, 27. Identifiers: Orphanet 3451, MedGen C4015316, MONDO:0014505, OMIM 616139.

Allele frequency attached by ClinVar (database versions not stated): TOPMed 0.00005; gnomAD exomes 0.00006; gnomAD 0.00004; ExAC 0.00007.
gnomAD v4.1: 212 of 1,614,044 alleles (0.013%); highest among the groups gnomAD compares: Non-Finnish European, 0.017%; no homozygotes.

Submissions (4):

Labcorp Genetics (formerly Invitae), Labcorp
Classification: Likely benign for Developmental and epileptic encephalopathy, 27; Intellectual developmental disorder, autosomal dominant 6, with or without seizures. Last evaluated: 2026-01-28. Review status: criteria provided, single submitter. Criteria: Invitae Variant Classification Sherloc (09022015). Collection method: clinical testing. Allele origin: germline.

Blueprint Genetics
Classification: Likely benign. Last evaluated: 2024-05-09. Review status: criteria provided, single submitter. Criteria: ACMG Guidelines, 2015. Collection method: clinical testing. Allele origin: germline.

CeGaT Center for Human Genetics Tuebingen
Classification: Likely benign. Last evaluated: 2023-10-01. Review status: criteria provided, single submitter. Criteria: CeGaT Center For Human Genetics Tuebingen Variant Classification Criteria Version 2. Collection method: clinical testing. Allele origin: germline. Affected: yes. Observed: 2 variant alleles.
Comment: GRIN2B: BP4, BP7

GeneDx
Classification: Likely benign. Last evaluated: 2020-03-19. Review status: criteria provided, single submitter. Criteria: GeneDx Variant Classification Process June 2021. Collection method: clinical testing. Allele origin: germline. Affected: yes.